The following is an entry in ClinVar:

NM_138713.4(NFAT5):c.796T>C (p.Ser266Pro)

Gene: NFAT5 (nuclear factor of activated T cells 5; plus strand). Cytogenetic location: 16q22.1.
Variant type: single nucleotide variant.
Coding change: c.796T>C on transcript NM_138713.4 (MANE Select); coding-DNA position 796, T replaced by C.
Protein change: p.Ser266Pro; replaces serine 266 with proline.
Molecular consequence: missense variant. On other transcripts: intron variant (1).
Genome position (GRCh38, 1-based): chr16:69,647,570, T>C. VCF-style: chr16-69647570-T-C. GRCh37 (hg19) VCF-style: chr16-69681473-T-C.
Other names: c.796T>C, p.Ser266Pro (NM_001113178.3); c.742T>C, p.Ser248Pro (NM_006599.4); c.514T>C, p.Ser172Pro (NM_138714.4, NM_173214.3, NM_173215.3); c.140+403T>C (NM_001367709.1); short protein forms S172P, S248P, S266P.
Identifiers: ClinVar variation 1714583 (VCV001714583.5), dbSNP rs2543924891, ClinGen allele CA396487020.

ClinVar aggregate classification (germline): Uncertain significance (1 of 4 stars; one submission).

Conditions:
Immunodeficiency. Identifiers: MedGen C0021051, MONDO:0021094, HP:0002721.

Submission:

Labcorp Genetics (formerly Invitae), Labcorp
Classification: Uncertain significance for Immunodeficiency. Last evaluated: 2022-07-14. Review status: criteria provided, single submitter. Criteria: Invitae Variant Classification Sherloc (09022015). Collection method: clinical testing. Allele origin: germline.
Comment: In summary, the available evidence is currently insufficient to determine the role of this variant in disease. Therefore, it has been classified as a Variant of Uncertain Significance. Algorithms developed to predict the effect of missense changes on protein structure and function are either unavailable or do not agree on the potential impact of this missense change (SIFT: "Tolerated"; PolyPhen-2: "Possibly Damaging"; Align-GVGD: "Class C0"). This variant has not been reported in the literature in individuals affected with NFAT5-related conditions. This variant is not present in population databases (gnomAD no frequency). This sequence change replaces serine, which is neutral and polar, with proline, which is neutral and non-polar, at codon 172 of the NFAT5 protein (p.Ser172Pro).